The following is an entry in ClinVar:

NM_000384.3(APOB):c.10261A>G (p.Met3421Val)

Gene: APOB (apolipoprotein B; minus strand). Cytogenetic location: 2p24.1.
Variant type: single nucleotide variant.
Coding change: c.10261A>G on transcript NM_000384.3 (MANE Select); coding-DNA position 10261, A replaced by G.
Protein change: p.Met3421Val; replaces methionine 3421 with valine.
Molecular consequence: missense variant.
Genome position (GRCh38, 1-based): chr2:21,006,607, T>C on the plus strand (A>G on the coding strand, the complement: APOB is on the minus strand). VCF-style: chr2-21006607-T-C. GRCh37 (hg19) VCF-style: chr2-21229479-T-C.
Other names: c.10261A>G (NM_000384.2); short protein forms M3421V.
Identifiers: ClinVar variation 1481875 (VCV001481875.8), dbSNP rs1371028457, ClinGen allele CA345986913.

ClinVar aggregate classification (germline): Uncertain significance. Review status: criteria provided, multiple submitters, no conflicts (2 of 4 stars). 4 submissions from 4 submitters: Uncertain significance (4). Last evaluated 2024-12-02.

Conditions:
Familial hypobetalipoproteinemia 1. Also called: APOB-Related Familial Hypobetalipoproteinemia; Hypobetalipoproteinemia, normotriglyceridemic; Acanthocytosis with hypobetalipoproteinemia. Identifiers: MedGen C4551990, MONDO:0014252, OMIM 615558.
Hypercholesterolemia, autosomal dominant, type B (FHCL2). Also called: Familial Hypercholesterolemia Type B; APOLIPOPROTEIN B-100, FAMILIAL DEFECTIVE; APOLIPOPROTEIN B-100, FAMILIAL LIGAND-DEFECTIVE; HYPERCHOLESTEROLEMIA, FAMILIAL, DUE TO LIGAND-DEFECTIVE APOLIPOPROTEIN B; Familial hypercholesterolemia 2; Hyperlipoproteinemia Type IIb. Identifiers: MedGen C1704417, MONDO:0007751, OMIM 144010.
Cardiovascular phenotype. Identifiers: MedGen CN230736.

Allele frequency attached by ClinVar (database versions not stated): gnomAD exomes below 0.00001; TOPMed below 0.00001; gnomAD 0.00001.
gnomAD v4.1: 4 of 1,613,998 alleles (0.00025%); highest among the groups gnomAD compares: Non-Finnish European, 0.00034%; no homozygotes.

Submissions (4):

GeneDx
Classification: Uncertain significance. Last evaluated: 2024-12-02. Review status: criteria provided, single submitter. Criteria: GeneDx Variant Classification Process June 2021. Collection method: clinical testing. Allele origin: germline. Affected: yes.
Comment: Not observed at significant frequency in large population cohorts (gnomAD); In silico analysis indicates that this missense variant does not alter protein structure/function; Has not been previously published as pathogenic or benign to our knowledge

Ambry Genetics
Classification: Uncertain significance for Cardiovascular phenotype. Last evaluated: 2024-04-19. Review status: criteria provided, single submitter. Criteria: Ambry Variant Classification Scheme 2023. Collection method: clinical testing. Allele origin: germline.
Comment: The p.M3421V variant (also known as c.10261A>G), located in coding exon 26 of the APOB gene, results from an A to G substitution at nucleotide position 10261. The methionine at codon 3421 is replaced by valine, an amino acid with highly similar properties. This amino acid position is conserved. In addition, this alteration is predicted to be tolerated by in silico analysis. Based on the available evidence, the clinical significance of this variant remains unclear.

Fulgent Genetics
Classification: Uncertain significance for Hypercholesterolemia, autosomal dominant, type B; Familial hypobetalipoproteinemia 1. Last evaluated: 2021-11-03. Review status: criteria provided, single submitter. Criteria: ACMG Guidelines, 2015. Collection method: clinical testing. Allele origin: unknown.

Labcorp Genetics (formerly Invitae), Labcorp
Classification: Uncertain significance for Familial hypobetalipoproteinemia 1; Hypercholesterolemia, autosomal dominant, type B. Last evaluated: 2021-09-17. Review status: criteria provided, single submitter. Criteria: Invitae Variant Classification Sherloc (09022015). Collection method: clinical testing. Allele origin: germline.
Comment: This sequence change replaces methionine with valine at codon 3421 of the APOB protein (p.Met3421Val). The methionine residue is moderately conserved and there is a small physicochemical difference between methionine and valine. This variant is not present in population databases (ExAC no frequency). This variant has not been reported in the literature in individuals with APOB-related conditions. Algorithms developed to predict the effect of missense changes on protein structure and function output the following: SIFT: "Tolerated"; PolyPhen-2: "Benign"; Align-GVGD: "Class C0". The valine amino acid residue is found in multiple mammalian species, suggesting that this missense change does not adversely affect protein function. These predictions have not been confirmed by published functional studies and their clinical significance is uncertain. In summary, the available evidence is currently insufficient to determine the role of this variant in disease. Therefore, it has been classified as a Variant of Uncertain Significance.